The following is an entry in ClinVar:

NM_001999.4(FBN2):c.-2C>A

Gene: FBN2 (fibrillin 2; minus strand). Cytogenetic location: 5q23.3.
Variant type: single nucleotide variant.
Coding change: c.-2C>A on transcript NM_001999.4 (MANE Select); 2 bases upstream of the start codon, C replaced by A.
Molecular consequence: 5 prime UTR variant.
Genome position (GRCh38, 1-based): chr5:128,537,605, G>T on the plus strand (C>A on the coding strand, the complement: FBN2 is on the minus strand). VCF-style: chr5-128537605-G-T. GRCh37 (hg19) VCF-style: chr5-127873298-G-T.
Identifiers: ClinVar variation 519820 (VCV000519820.6), dbSNP rs776371080, ClinGen allele CA3396251.

ClinVar aggregate classification (germline): Uncertain significance. Review status: criteria provided, multiple submitters, no conflicts (2 of 4 stars). 2 submissions from 2 submitters: Uncertain significance (2). Last evaluated 2023-04-18.

Conditions:
Familial thoracic aortic aneurysm and aortic dissection (TAAD). Also called: Thoracic aortic aneurysms and dissections. Identifiers: Orphanet 91387, MedGen C4707243, MONDO:0019625.

Allele frequency attached by ClinVar (database versions not stated): ExAC 0.00001; gnomAD 0.00001.
gnomAD v4.1: 6 of 1,606,538 alleles (0.00037%); highest among the groups gnomAD compares: Non-Finnish European, 0.00042%; no homozygotes.

Submissions (2):

GeneDx
Classification: Uncertain significance. Last evaluated: 2023-04-18. Review status: criteria provided, single submitter. Criteria: GeneDx Variant Classification Process June 2021. Collection method: clinical testing. Allele origin: germline. Affected: yes.
Comment: Not observed in large population cohorts (gnomAD); In silico analysis suggests this variant does not impact splicing. In the absence of RNA/functional studies, the actual effect of this sequence change is unknown; Has not been previously published as pathogenic or benign to our knowledge

Ambry Genetics
Classification: Uncertain significance for Familial thoracic aortic aneurysm and aortic dissection. Last evaluated: 2019-05-30. Review status: criteria provided, single submitter. Criteria: Ambry Variant Classification Scheme 2023. Collection method: clinical testing. Allele origin: germline.
Comment: The c.-2C>A variant is located in the 5' untranslated region (5&rsquo; UTR) of the FBN2 gene. This variant results from a C to A substitution two nucleotides upstream from the first translated codon. This nucleotide position is highly conserved in available vertebrate species. Since supporting evidence is limited at this time, the clinical significance of this variant remains unclear.